The following is an entry in ClinVar:

ClinVar aggregate classification (germline): Conflicting classifications of pathogenicity. Review status: criteria provided, conflicting classifications (1 of 4 stars). 9 submissions from 9 submitters: Uncertain significance (6); Likely benign (1). 2 of the submissions do not count toward it. Last evaluated 2026-07-01.

Conditions:
Glycogen storage disease, type II (IOPD). Also called: POMPE DISEASE, INFANTILE-ONSET; GLYCOGEN STORAGE DISEASE II, INFANTILE-ONSET; ACID ALPHA-GLUCOSIDASE DEFICIENCY, INFANTILE-ONSET; GAA DEFICIENCY, INFANTILE-ONSET; ACID MALTASE DEFICIENCY, INFANTILE-ONSET; CARDIOMEGALIA GLYCOGENICA DIFFUSA. Identifiers: Orphanet 365, MedGen C0017921, MONDO:0009290, OMIM 232300.

Allele frequency attached by ClinVar (database versions not stated): ExAC 0.00004; gnomAD exomes 0.00008; TOPMed 0.00015.
gnomAD v4.1: 133 of 1,612,692 alleles (0.0082%); highest among the groups gnomAD compares: Admixed American, 0.06%; no homozygotes.

Submissions (9):

Genomenon, Inc
Classification: Uncertain significance for Glycogen storage disease, type II. Last evaluated: 2026-07-01. Review status: criteria provided, single submitter. Criteria: Genomenon Sequence Variant Interpretation Standards - Updated. Collection method: curation. Allele origin: germline.
Comment: GAA p.Asp774Asn (c.2320G>A) is a missense variant that changes the amino acid at codon 774 from Aspartic acid to Asparagine. This variant has been reported in the compound heterozygous and/or homozygous state in at least one individual without a confirmed diagnosis of Pompe disease (PMID:22958975). It is absent or not present at a significant frequency in gnomAD. In silico models predict that this variant is not damaging. In conclusion, we classify GAA p.Asp774Asn (c.2320G>A) as a variant of uncertain significance.

Labcorp Genetics (formerly Invitae), Labcorp
Classification: Likely benign for Glycogen storage disease, type II. Last evaluated: 2026-01-27. Review status: criteria provided, single submitter. Criteria: Invitae Variant Classification Sherloc (09022015). Collection method: clinical testing. Allele origin: germline.

Mayo Clinic Laboratories, Mayo Clinic
Classification: Uncertain significance. Last evaluated: 2025-06-01. Review status: criteria provided, single submitter. Criteria: ACMG Guidelines, 2015. Collection method: clinical testing. Allele origin: germline. Observed: 1 variant allele.
Comment: BP4, PM3_supporting

ARUP Laboratories, Molecular Genetics and Genomics, ARUP Laboratories
Classification: Uncertain significance for Glycogen storage disease, type II. Last evaluated: 2025-02-28. Review status: criteria provided, single submitter. Criteria: ARUP Molecular Germline Variant Investigation Process 2024. Collection method: clinical testing. Allele origin: germline.
Comment: The GAA c.2320G>A; p.Asp774Asn variant (rs758390382, ClinVar Variation ID: 555712) is reported in the literature as compound heterozygote in one individual affected with glycogen storage disease II (Musumeci 2012). This variant is found in the Admixed American population with an allele frequency of 0.045% (16/35378 alleles, including 1 homozygote) in the Genome Aggregation Database (v2.1.1). Computational analyses predict that this variant is neutral (REVEL: 0.209). However, due to insufficient clinical information and lack of functional data, the significance of this variant is uncertain at this time. References: Musumeci O et al. Auditory system involvement in late onset Pompe disease: a study of 20 Italian patients. Mol Genet Metab. 2012 Nov;107(3):480-4. PMID: 22958975.

GeneDx
Classification: Uncertain significance. Last evaluated: 2024-07-08. Review status: criteria provided, single submitter. Criteria: GeneDx Variant Classification Process June 2021. Collection method: clinical testing. Allele origin: germline. Affected: yes.
Comment: In silico analysis indicates that this missense variant does not alter protein structure/function; Observed with a pathogenic variant in a patient with late-onset glycogen storage disease type II in published literature (PMID: 22958975); This variant is associated with the following publications: (PMID: 19343043, 22253258, 22958975, 33560568)

Women's Health and Genetics/Laboratory Corporation of America, LabCorp
Classification: Uncertain significance. Last evaluated: 2022-05-31. Review status: criteria provided, single submitter. Criteria: LabCorp Variant Classification Summary - May 2015. Collection method: clinical testing. Allele origin: germline.
Comment: Variant summary: GAA c.2320G>A (p.Asp774Asn) results in a conservative amino acid change in the encoded protein sequence. Five of five in-silico tools predict a benign effect of the variant on protein function. The variant allele was found at a frequency of 8e-05 in 248994 control chromosomes in the gnomAD database, including 1 homozygote. This frequency is not significantly higher than estimated for a pathogenic variant in GAA causing Glycogen Storage Disease, Type 2 (Pompe Disease) (8e-05 vs 0.0042), allowing no conclusion about variant significance. c.2320G>A has been reported in the literature in at-least one individual affected with late onset features of Glycogen Storage Disease, Type 2 (Pompe Disease) (example, Musumeci_2012). These report(s) do not provide unequivocal conclusions about association of the variant with Glycogen Storage Disease, Type 2 (Pompe Disease). To our knowledge, no experimental evidence demonstrating an impact on protein function has been reported. Five clinical diagnostic laboratories have submitted clinical-significance assessments for this variant to ClinVar after 2014 without evidence for independent evaluation (VUS, n=4; Likely benign, n=1). Based on the evidence outlined above, the variant was classified as uncertain significance.

Genome-Nilou Lab
Classification: Uncertain significance for Glycogen storage disease, type II. Last evaluated: 2021-09-05. Review status: criteria provided, single submitter. Criteria: ACMG Guidelines, 2015. Collection method: clinical testing. Allele origin: germline. Affected: no.

Natera, Inc.
Classification: Uncertain significance for Glycogen storage disease type II. Last evaluated: 2020-09-16. Review status: no assertion criteria provided. Collection method: clinical testing. Allele origin: germline. Not counted in ClinVar's aggregate classification.

Counsyl
Classification: Uncertain significance for Glycogen storage disease, type II. Last evaluated: 2017-12-28. Review status: no assertion criteria provided. Collection method: clinical testing. Allele origin: unknown. Not counted in ClinVar's aggregate classification.

Literature cited by the submitters: PubMed 22958975 (cited by 4 submitters).

NM_000152.5(GAA):c.2320G>A (p.Asp774Asn)

Gene: GAA (alpha glucosidase; plus strand). Cytogenetic location: 17q25.3.
Variant type: single nucleotide variant.
Coding change: c.2320G>A on transcript NM_000152.5 (MANE Select); coding-DNA position 2320, G replaced by A.
Protein change: p.Asp774Asn; replaces aspartic acid 774 with asparagine.
Molecular consequence: missense variant.
Genome position (GRCh38, 1-based): chr17:80,117,098, G>A. VCF-style: chr17-80117098-G-A. GRCh37 (hg19) VCF-style: chr17-78090897-G-A.
Other names: p.Asp774Asn; c.2320G>A (LRG_673t1, NM_000152.4); c.2320G>A, p.Asp774Asn (NM_001079803.3, NM_001079804.3); short protein forms D774N.
Identifiers: ClinVar variation 555712 (VCV000555712.22), dbSNP rs758390382, ClinGen allele CA8815686.
Genomic context (GRCh38, chr17:80,117,098, plus strand): 5'-CCAGTGCTCCAGGCCGGGAAGGCCGAAGTGACTGGCTACTTCCCCTTGGGCACATGGTAC[G>A]ACCTGCAGACGGTGAGTCTGGGGACCCTAAGCCCTGGGGAGACGGGAGACCAGAGCAGCC-3'
Protein context (NP_000143.2, residues 764-784): TGYFPLGTWY[Asp774Asn]LQTVPVEALG